The following is an entry in ClinVar:

ClinVar aggregate classification (germline): Uncertain significance (1 of 4 stars; one submission).

Conditions:
Arrhythmogenic right ventricular dysplasia 9 (ARVD9). Also called: Arrhythmogenic Right Ventricular Dysplasia/Cardiomyopathy 9; ARRHYTHMOGENIC RIGHT VENTRICULAR DYSPLASIA, FAMILIAL, 9. Identifiers: MedGen C1836906, MONDO:0012180, OMIM 609040.

Allele frequency attached by ClinVar (database versions not stated): gnomAD exomes below 0.00001.
gnomAD v4.1: 1 of 1,613,792 alleles (0.000062%); highest among the groups gnomAD compares: Middle Eastern, 0.016%; no homozygotes.

Submission:

Labcorp Genetics (formerly Invitae), Labcorp
Classification: Uncertain significance for Arrhythmogenic right ventricular dysplasia 9. Last evaluated: 2022-04-28. Review status: criteria provided, single submitter. Criteria: Invitae Variant Classification Sherloc (09022015). Collection method: clinical testing. Allele origin: germline.
Comment: This variant has not been reported in the literature in individuals affected with PKP2-related conditions. In summary, the available evidence is currently insufficient to determine the role of this variant in disease. Therefore, it has been classified as a Variant of Uncertain Significance. Algorithms developed to predict the effect of missense changes on protein structure and function output the following: SIFT: "Tolerated"; PolyPhen-2: "Benign"; Align-GVGD: "Class C0". The arginine amino acid residue is found in multiple mammalian species, which suggests that this missense change does not adversely affect protein function. This variant is not present in population databases (gnomAD no frequency). This sequence change replaces lysine, which is basic and polar, with arginine, which is basic and polar, at codon 514 of the PKP2 protein (p.Lys514Arg).

NM_001005242.3(PKP2):c.1409A>G (p.Lys470Arg)

Gene: PKP2 (plakophilin 2; minus strand). Cytogenetic location: 12p11.21.
Variant type: single nucleotide variant.
Coding change: c.1409A>G on transcript NM_001005242.3 (MANE Select); coding-DNA position 1409, A replaced by G.
Protein change: p.Lys470Arg; replaces lysine 470 with arginine.
Molecular consequence: missense variant.
Genome position (GRCh38, 1-based): chr12:32,841,175, T>C on the plus strand (A>G on the coding strand, the complement: PKP2 is on the minus strand). VCF-style: chr12-32841175-T-C. GRCh37 (hg19) VCF-style: chr12-32994109-T-C.
Other names: c.1409A>G, p.Lys470Arg (NM_001407155.1, NM_001407156.1, NM_001407161.1); c.1541A>G, p.Lys514Arg (NM_001407157.1, NM_004572.4); c.1082A>G, p.Lys361Arg (NM_001407158.1, NM_001407159.1, NM_001407160.1 and 1 more transcripts); short protein forms K361R, K470R, K514R.
Identifiers: ClinVar variation 2141327 (VCV002141327.4), dbSNP rs2541265301, ClinGen allele CA384368055.